The following is an entry in ClinVar:

ClinVar aggregate classification (germline): Uncertain significance (1 of 4 stars; one submission).

Submission:

Labcorp Genetics (formerly Invitae), Labcorp
Classification: Uncertain significance. Last evaluated: 2022-11-01. Review status: criteria provided, single submitter. Criteria: Invitae Variant Classification Sherloc (09022015). Collection method: clinical testing. Allele origin: germline.
Comment: In summary, the available evidence is currently insufficient to determine the role of this variant in disease. Therefore, it has been classified as a Variant of Uncertain Significance. Algorithms developed to predict the effect of sequence changes on RNA splicing suggest that this variant may create or strengthen a splice site. Advanced modeling of protein sequence and biophysical properties (such as structural, functional, and spatial information, amino acid conservation, physicochemical variation, residue mobility, and thermodynamic stability) performed at Invitae indicates that this missense variant is not expected to disrupt POLR1A protein function. This variant has not been reported in the literature in individuals affected with POLR1A-related conditions. This variant is not present in population databases (gnomAD no frequency). This sequence change replaces leucine, which is neutral and non-polar, with valine, which is neutral and non-polar, at codon 25 of the POLR1A protein (p.Leu25Val).

NM_015425.6(POLR1A):c.73C>G (p.Leu25Val)

Genes: POLR1A (RNA polymerase I subunit A; minus strand), LOC129934243 (ATAC-STARR-seq lymphoblastoid active region 16153; plus strand). Cytogenetic location: 2p11.2.
Variant type: single nucleotide variant.
Coding change: c.73C>G on transcript NM_015425.6 (MANE Select); coding-DNA position 73, C replaced by G.
Protein change: p.Leu25Val; replaces leucine 25 with valine.
Molecular consequence: missense variant.
Genome position (GRCh38, 1-based): chr2:86,105,704, G>C on the plus strand (C>G on the coding strand, the complement: POLR1A is on the minus strand). VCF-style: chr2-86105704-G-C. GRCh37 (hg19) VCF-style: chr2-86332827-G-C.
Other names: short protein forms L25V.
Identifiers: ClinVar variation 2065987 (VCV002065987.4), dbSNP rs2466513538, ClinGen allele CA347559218.
Genomic context (GRCh38, chr2:86,105,704, plus strand): 5'-TTTAGGGCGCCGACCTCAAGATCCAGGCTGGGCACGCTACCCGACCAACTCCTTACTTGA[G>C]CTCTTCAGCCGAATACATCCCGAAGGAAATGCCCTGCAGCCGCCGCCAGGGCATGTTCTT-3'
Protein context (NP_056240.2, residues 15-35): ISFGMYSAEE[Leu25Val]KKLSVKSITN